The following is an entry in ClinVar:

ClinVar aggregate classification (germline): Uncertain significance (1 of 4 stars; one submission).

Conditions:
Epileptic encephalopathy. Identifiers: MedGen C0543888, HP:0200134.

Allele frequency attached by ClinVar (database versions not stated): gnomAD 0.00002; TOPMed 0.00002; gnomAD exomes 0.00004; ExAC 0.00006.
gnomAD v4.1: 32 of 1,610,066 alleles (0.002%); highest among the groups gnomAD compares: Non-Finnish European, 0.0025%; no homozygotes.

Submission:

Labcorp Genetics (formerly Invitae), Labcorp
Classification: Uncertain significance for Epileptic encephalopathy. Last evaluated: 2020-02-05. Review status: criteria provided, single submitter. Criteria: Invitae Variant Classification Sherloc (09022015). Collection method: clinical testing. Allele origin: germline.
Comment: In summary, the available evidence is currently insufficient to determine the role of this variant in disease. Therefore, it has been classified as a Variant of Uncertain Significance. Algorithms developed to predict the effect of missense changes on protein structure and function are either unavailable or do not agree on the potential impact of this missense change (SIFT: "Deleterious"; PolyPhen-2: "Benign"; Align-GVGD: "Class C0"). This variant has not been reported in the literature in individuals with RYR3-related conditions. This variant is present in population databases (rs761781474, ExAC 0.01%). This sequence change replaces cysteine with tyrosine at codon 64 of the RYR3 protein (p.Cys64Tyr). The cysteine residue is highly conserved and there is a large physicochemical difference between cysteine and tyrosine.

NM_001036.6(RYR3):c.191G>A (p.Cys64Tyr)

Gene: RYR3 (ryanodine receptor 3; plus strand). Cytogenetic location: 15q14.
Variant type: single nucleotide variant.
Coding change: c.191G>A on transcript NM_001036.6 (MANE Select); coding-DNA position 191, G replaced by A.
Protein change: p.Cys64Tyr; replaces cysteine 64 with tyrosine.
Molecular consequence: missense variant.
Genome position (GRCh38, 1-based): chr15:33,503,650, G>A. VCF-style: chr15-33503650-G-A. GRCh37 (hg19) VCF-style: chr15-33795851-G-A.
Other names: c.191G>A, p.Cys64Tyr (NM_001243996.4); short protein forms C64Y.
Identifiers: ClinVar variation 864076 (VCV000864076.9), dbSNP rs761781474, ClinGen allele CA7457728.